The following is an entry in ClinVar:

NM_001164508.2(NEB):c.2402A>G (p.Tyr801Cys)

Gene: NEB (nebulin; minus strand). Cytogenetic location: 2q23.3.
Variant type: single nucleotide variant.
Coding change: c.2402A>G on transcript NM_001164508.2 (MANE Select); coding-DNA position 2402, A replaced by G.
Protein change: p.Tyr801Cys; replaces tyrosine 801 with cysteine.
Molecular consequence: missense variant.
Genome position (GRCh38, 1-based): chr2:151,688,305, T>C on the plus strand (A>G on the coding strand, the complement: NEB is on the minus strand). VCF-style: chr2-151688305-T-C. GRCh37 (hg19) VCF-style: chr2-152544819-T-C.
Other names: c.2402A>G, p.Tyr801Cys (NM_001164507.2, NM_001271208.2, NM_004543.5); c.2402A>G (NM_004543.4); short protein forms Y801C.
Identifiers: ClinVar variation 1706953 (VCV001706953.10), dbSNP rs761589107, ClinGen allele CA1911239.

ClinVar aggregate classification (germline): Conflicting classifications of pathogenicity. Review status: criteria provided, conflicting classifications (1 of 4 stars). 3 submissions from 3 submitters: Uncertain significance (2); Likely benign (1). Last evaluated 2026-01-15.

Conditions:
Inborn genetic diseases. Identifiers: MedGen C0950123, MeSH D030342.
Nemaline myopathy 2 (NEM2). Also called: Nemaline myopathy 2, autosomal recessive. Identifiers: MedGen C1850569, MONDO:0009725, OMIM 256030.

Allele frequency attached by ClinVar (database versions not stated): gnomAD 0.00001; gnomAD exomes 0.00002; TOPMed 0.00002; ExAC 0.00004.
gnomAD v4.1: 30 of 1,611,288 alleles (0.0019%); highest among the groups gnomAD compares: Admixed American, 0.035%; no homozygotes.

Submissions (3):

Labcorp Genetics (formerly Invitae), Labcorp
Classification: Likely benign for Nemaline myopathy 2. Last evaluated: 2026-01-15. Review status: criteria provided, single submitter. Criteria: Invitae Variant Classification Sherloc (09022015). Collection method: clinical testing. Allele origin: germline.

GeneDx
Classification: Uncertain significance. Last evaluated: 2025-05-13. Review status: criteria provided, single submitter. Criteria: GeneDx Variant Classification Process June 2021. Collection method: clinical testing. Allele origin: germline. Affected: yes.
Comment: In silico analysis supports that this missense variant has a deleterious effect on protein structure/function; Has not been previously published as pathogenic or benign to our knowledge

Ambry Genetics
Classification: Uncertain significance for Inborn genetic diseases. Last evaluated: 2025-05-07. Review status: criteria provided, single submitter. Criteria: Ambry Variant Classification Scheme 2023. Collection method: clinical testing. Allele origin: germline.